The following is an entry in ClinVar:

ClinVar aggregate classification (germline): Uncertain significance. Review status: criteria provided, multiple submitters, no conflicts (2 of 4 stars). 2 submissions from 2 submitters: Uncertain significance (2). Last evaluated 2023-03-16.

gnomAD v4.1: 2 of 1,209,696 alleles (0.00017%); no homozygotes.

Submissions (2):

Labcorp Genetics (formerly Invitae), Labcorp
Classification: Uncertain significance. Last evaluated: 2023-03-16. Review status: criteria provided, single submitter. Criteria: Invitae Variant Classification Sherloc (09022015). Collection method: clinical testing. Allele origin: germline.
Comment: In summary, the available evidence is currently insufficient to determine the role of this variant in disease. Therefore, it has been classified as a Variant of Uncertain Significance. An algorithm developed to predict the effect of missense changes on protein structure and function (PolyPhen-2) suggests that this variant is likely to be tolerated. ClinVar contains an entry for this variant (Variation ID: 1961909). This variant has not been reported in the literature in individuals affected with CACNA1F-related conditions. This variant is not present in population databases (gnomAD no frequency). This sequence change replaces phenylalanine, which is neutral and non-polar, with leucine, which is neutral and non-polar, at codon 1404 of the CACNA1F protein (p.Phe1404Leu).

Blueprint Genetics
Classification: Uncertain significance. Last evaluated: 2022-05-03. Review status: criteria provided, single submitter. Criteria: ACMG Guidelines, 2015. Collection method: clinical testing. Allele origin: germline.

NM_001256789.3(CACNA1F):c.4179C>A (p.Phe1393Leu)

Gene: CACNA1F (calcium voltage-gated channel subunit alpha1 F; minus strand). Cytogenetic location: Xp11.23.
Variant type: single nucleotide variant.
Coding change: c.4179C>A on transcript NM_001256789.3 (MANE Select); coding-DNA position 4179, C replaced by A.
Protein change: p.Phe1393Leu; replaces phenylalanine 1393 with leucine.
Molecular consequence: missense variant.
Genome position (GRCh38, 1-based): chrX:49,211,403, G>T on the plus strand (C>A on the coding strand, the complement: CACNA1F is on the minus strand). VCF-style: chrX-49211403-G-T. GRCh37 (hg19) VCF-style: chrX-49067863-G-T.
Other names: c.4017C>A, p.Phe1339Leu (NM_001256790.3); c.4212C>A, p.Phe1404Leu (NM_005183.4); short protein forms F1393L, F1404L, F1339L.
Identifiers: ClinVar variation 1961909 (VCV001961909.6), dbSNP rs376959397, ClinGen allele CA412961641.